The following is an entry in ClinVar:

ClinVar aggregate classification (germline): Likely benign (1 of 4 stars; one submission).

gnomAD v4.1: 18 of 1,523,688 alleles (0.0012%); highest among the groups gnomAD compares: African/African-American, 0.0015%; no homozygotes.

Submission:

CeGaT Center for Human Genetics Tuebingen
Classification: Likely benign. Last evaluated: 2026-05-01. Review status: criteria provided, single submitter. Criteria: CeGaT Center For Human Genetics Tuebingen Variant Classification Criteria Version 2. Collection method: clinical testing. Allele origin: germline. Affected: yes. Observed: 1 variant allele.
Comment: RERE: BP4, BP7

NM_001042681.2(RERE):c.4353C>T (p.Pro1451=)

Gene: RERE (arginine-glutamic acid dipeptide repeats; minus strand). Cytogenetic location: 1p36.23.
Variant type: single nucleotide variant.
Coding change: c.4353C>T on transcript NM_001042681.2 (MANE Select); coding-DNA position 4353, C replaced by T.
Protein change: p.Pro1451=; no amino-acid change (proline 1451 retained).
Molecular consequence: synonymous variant.
Genome position (GRCh38, 1-based): chr1:8,356,233, G>A on the plus strand (C>T on the coding strand, the complement: RERE is on the minus strand). VCF-style: chr1-8356233-G-A. GRCh37 (hg19) VCF-style: chr1-8416293-G-A.
Other names: c.2691C>T, p.Pro897= (NM_001042682.2); c.4353C>T, p.Pro1451= (NM_012102.4).
Identifiers: ClinVar variation 4872259 (VCV004872259.2).